The following is an entry in ClinVar:

NM_001271.4(CHD2):c.4232A>T (p.Lys1411Ile)

Gene: CHD2 (chromodomain helicase DNA binding protein 2; plus strand). Cytogenetic location: 15q26.1.
Variant type: single nucleotide variant.
Coding change: c.4232A>T on transcript NM_001271.4 (MANE Select); coding-DNA position 4232, A replaced by T.
Protein change: p.Lys1411Ile; replaces lysine 1411 with isoleucine.
Molecular consequence: missense variant.
Genome position (GRCh38, 1-based): chr15:93,002,271, A>T. VCF-style: chr15-93002271-A-T. GRCh37 (hg19) VCF-style: chr15-93545501-A-T.
Other names: short protein forms K1411I.
Identifiers: ClinVar variation 3692725 (VCV003692725.2).

ClinVar aggregate classification (germline): Uncertain significance (1 of 4 stars; one submission).

Conditions:
Developmental and epileptic encephalopathy 94 (DEE94). Also called: CHD2-Related Neurodevelopmental Disorders; Epileptic encephalopathy, childhood-onset. Identifiers: Orphanet 1942, Orphanet 2382, MedGen C3809278, MONDO:0014150, OMIM 615369.

Submission:

Labcorp Genetics (formerly Invitae), Labcorp
Classification: Uncertain significance for Developmental and epileptic encephalopathy 94. Last evaluated: 2025-03-12. Review status: criteria provided, single submitter. Criteria: Invitae Variant Classification Sherloc (09022015). Collection method: clinical testing. Allele origin: germline.
Comment: This sequence change replaces lysine, which is basic and polar, with isoleucine, which is neutral and non-polar, at codon 1411 of the CHD2 protein (p.Lys1411Ile). This variant is not present in population databases (gnomAD no frequency). This variant has not been reported in the literature in individuals affected with CHD2-related conditions. Invitae Evidence Modeling of protein sequence and biophysical properties (such as structural, functional, and spatial information, amino acid conservation, physicochemical variation, residue mobility, and thermodynamic stability) indicates that this missense variant is not expected to disrupt CHD2 protein function with a negative predictive value of 95%. In summary, the available evidence is currently insufficient to determine the role of this variant in disease. Therefore, it has been classified as a Variant of Uncertain Significance.